The following is an entry in ClinVar:

NM_000718.4(CACNA1B):c.3324G>A (p.Lys1108=)

Genes: CACNA1B (calcium voltage-gated channel subunit alpha1 B; plus strand), LOC101928786 (uncharacterized LOC101928786; minus strand). Cytogenetic location: 9q34.3.
Variant type: single nucleotide variant.
Coding change: c.3324G>A on transcript NM_000718.4 (MANE Select); coding-DNA position 3324, G replaced by A.
Protein change: p.Lys1108=; no amino-acid change (lysine 1108 retained).
Molecular consequence: synonymous variant.
Genome position (GRCh38, 1-based): chr9:138,043,811, G>A. VCF-style: chr9-138043811-G-A. GRCh37 (hg19) VCF-style: chr9-140938263-G-A.
Other names: c.3324G>A, p.Lys1108= (NM_001243812.2).
Identifiers: ClinVar variation 1583514 (VCV001583514.35), dbSNP rs374929793, ClinGen allele CA5376624.
Genomic context (GRCh38, chr9:138,043,811, plus strand): 5'-TCGGGGGCCCTGTGTCCTTGTAGGTGGTAACGTGGACCTGGAAAGCCAAGCAGAGGGGAA[G>A]AAGGAGGTGGAAGCGGATGACGTGATGAGGAGCGGCCCCCGGCCTATCGTCCCATACAGC-3'
Protein context (NP_000709.1, residues 1098-1118): NVDLESQAEG[Lys1108=]KEVEADDVMR

ClinVar aggregate classification (germline): Likely benign. Review status: criteria provided, multiple submitters, no conflicts (2 of 4 stars). 2 submissions from 2 submitters: Likely benign (2). Last evaluated 2026-01-17.

Allele frequency attached by ClinVar (database versions not stated): gnomAD 0.00039 and 0.00041; 1000 Genomes Project 0.00040; TOPMed 0.00041; ESP Exome Variant Server 0.00055; gnomAD exomes 0.00003 and 0.00006; ExAC 0.00009; 1000 Genomes Project 30x 0.00031.
gnomAD v4.1: 115 of 1,613,948 alleles (0.0071%); highest among the groups gnomAD compares: African/African-American, 0.13%; no homozygotes.

Submissions (2):

Labcorp Genetics (formerly Invitae), Labcorp
Classification: Likely benign. Last evaluated: 2026-01-17. Review status: criteria provided, single submitter. Criteria: Invitae Variant Classification Sherloc (09022015). Collection method: clinical testing. Allele origin: germline.

CeGaT Center for Human Genetics Tuebingen
Classification: Likely benign. Last evaluated: 2023-05-01. Review status: criteria provided, single submitter. Criteria: CeGaT Center For Human Genetics Tuebingen Variant Classification Criteria Version 2. Collection method: clinical testing. Allele origin: germline. Affected: yes. Observed: 1 variant allele.
Comment: CACNA1B: BP4, BP7